The following is an entry in ClinVar:

NM_000088.4(COL1A1):c.3793_3794del (p.Cys1265fs)

Gene: COL1A1 (collagen type I alpha 1 chain; minus strand). Cytogenetic location: 17q21.33.
Variant type: Microsatellite.
Coding change: c.3793_3794del on transcript NM_000088.4 (MANE Select); coding-DNA positions 3793 to 3794, 2 bases deleted (TG; older notation c.3793_3794delTG).
Protein change: p.Cys1265fs; shifts the reading frame from cysteine 1265.
Molecular consequence: frameshift variant.
Genome position (GRCh38, 1-based): chr17:50,186,660-50,186,661, CA deleted on the plus strand (TG on the coding strand, the reverse complement: COL1A1 is on the minus strand); deleting any 2 consecutive bases within chr17:50,186,660-50,186,663 gives the same sequence; the c. name uses the placement nearest the transcript's 3' end. VCF-style (leftmost placement, unchanged base first): chr17-50186659-GCA-G. GRCh37 (hg19) VCF-style: chr17-48264020-GCA-G.
Other names: short protein forms C1265fs.
Identifiers: ClinVar variation 3650900 (VCV003650900.2).

ClinVar aggregate classification (germline): Pathogenic (1 of 4 stars; one submission).

Conditions:
Osteogenesis imperfecta type I (OI1). Also called: Classic Non-deforming Osteogenesis Imperfecta with Blue Sclerae; OI, TYPE I; OSTEOGENESIS IMPERFECTA TARDA; OSTEOGENESIS IMPERFECTA WITH BLUE SCLERAE; Osteogenesis imperfecta type 1; Lobstein's Disease. Identifiers: Orphanet 216796, Orphanet 666, MedGen C0023931, MONDO:0008146, OMIM 166200. Disease mechanism: loss of function.

Submission:

Labcorp Genetics (formerly Invitae), Labcorp
Classification: Pathogenic for Osteogenesis imperfecta type I. Last evaluated: 2024-04-25. Review status: criteria provided, single submitter. Criteria: Invitae Variant Classification Sherloc (09022015). Collection method: clinical testing. Allele origin: germline.
Comment: This sequence change creates a premature translational stop signal (p.Cys1265Profs*3) in the COL1A1 gene. It is expected to result in an absent or disrupted protein product. Loss-of-function variants in COL1A1 are known to be pathogenic (PMID: 7942841, 9295084, 9443882). This variant is not present in population databases (gnomAD no frequency). This variant has not been reported in the literature in individuals affected with COL1A1-related conditions. For these reasons, this variant has been classified as Pathogenic.

Literature cited by the submitters: PubMed 7942841; PubMed 9295084; PubMed 9443882.